The following is an entry in ClinVar:

NM_001377.3(DYNC2H1):c.6894-1G>A

Gene: DYNC2H1 (dynein cytoplasmic 2 heavy chain 1; plus strand). Cytogenetic location: 11q22.3.
Variant type: single nucleotide variant.
Coding change: c.6894-1G>A on transcript NM_001377.3 (MANE Select); the canonical splice acceptor site of the intron before coding-DNA position 6894, G replaced by A.
Molecular consequence: splice acceptor variant.
Genome position (GRCh38, 1-based): chr11:103,187,339, G>A. VCF-style: chr11-103187339-G-A. GRCh37 (hg19) VCF-style: chr11-103058068-G-A.
Other names: c.6894-1G>A (NM_001080463.2).
Identifiers: ClinVar variation 2017696 (VCV002017696.4), dbSNP rs2496286836, ClinGen allele CA382251412.

ClinVar aggregate classification (germline): Likely pathogenic (1 of 4 stars; one submission).

Conditions:
Jeune thoracic dystrophy. Also called: Jeune syndrome; Infantile thoracic dystrophy; Thoracic pelvic phalangeal dystrophy; Jeune's syndrome; Chondroectodermal dysplasia-like syndrome; Short-rib thoracic dysplasia. Identifiers: Orphanet 474, MedGen C0265275, MONDO:0018770.

Submission:

Labcorp Genetics (formerly Invitae), Labcorp
Classification: Likely pathogenic for Jeune thoracic dystrophy. Last evaluated: 2023-10-18. Review status: criteria provided, single submitter. Criteria: Invitae Variant Classification Sherloc (09022015). Collection method: clinical testing. Allele origin: germline.
Comment: This sequence change affects an acceptor splice site in intron 42 of the DYNC2H1 gene. It is expected to disrupt RNA splicing. Variants that disrupt the donor or acceptor splice site typically lead to a loss of protein function (PMID: 16199547), and loss-of-function variants in DYNC2H1 are known to be pathogenic (PMID: 23339108, 32753734, 33755199). This variant is not present in population databases (gnomAD no frequency). This variant has not been reported in the literature in individuals affected with DYNC2H1-related conditions. ClinVar contains an entry for this variant (Variation ID: 2017696). Algorithms developed to predict the effect of sequence changes on RNA splicing suggest that this variant may disrupt the consensus splice site. In summary, the currently available evidence indicates that the variant is pathogenic, but additional data are needed to prove that conclusively. Therefore, this variant has been classified as Likely Pathogenic.

Literature cited by the submitters: PubMed 16199547; PubMed 23339108; PubMed 32753734; PubMed 33755199.